The following is an entry in ClinVar:

NM_006767.4(LZTR1):c.2219+5C>A

Gene: LZTR1 (leucine zipper like post translational regulator 1; plus strand). Cytogenetic location: 22q11.21.
Variant type: single nucleotide variant.
Coding change: c.2219+5C>A on transcript NM_006767.4 (MANE Select); 5 bases into the intron after coding-DNA position 2219, C replaced by A.
Molecular consequence: intron variant.
Genome position (GRCh38, 1-based): chr22:20,996,117, C>A. VCF-style: chr22-20996117-C-A. GRCh37 (hg19) VCF-style: chr22-21350406-C-A.
Identifiers: ClinVar variation 3541512 (VCV003541512.3).

ClinVar aggregate classification (germline): Uncertain significance. Review status: criteria provided, multiple submitters, no conflicts (2 of 4 stars). 2 submissions from 2 submitters: Uncertain significance (2). Last evaluated 2024-11-21.

Conditions:
Hereditary cancer-predisposing syndrome. Also called: Hereditary Cancer Syndrome; Hereditary neoplastic syndrome; Tumor predisposition; Neoplastic Syndromes, Hereditary. Identifiers: Orphanet 140162, MedGen C0027672, MeSH D009386, MONDO:0015356.
Cardiovascular phenotype. Identifiers: MedGen CN230736.

gnomAD v4.1: 1 of 1,611,252 alleles (0.000062%); highest among the groups gnomAD compares: Non-Finnish European, 0.000085%; no homozygotes.

Submissions (2):

Ambry Genetics
Classification: Uncertain significance for Cardiovascular phenotype; Hereditary cancer-predisposing syndrome. Last evaluated: 2024-11-21. Review status: criteria provided, single submitter. Criteria: Ambry Variant Classification Scheme 2023. Collection method: clinical testing. Allele origin: germline.
Comment: The c.2219+5C>A intronic variant results from a C to A substitution 5 nucleotides after coding exon 18 in the LZTR1 gene. This nucleotide position is highly conserved in available vertebrate species. In silico splice site analysis predicts that this alteration will not have any significant effect on splicing. Based on the available evidence, the clinical significance of this variant remains unclear.

Labcorp Genetics (formerly Invitae), Labcorp
Classification: Uncertain significance. Last evaluated: 2024-11-20. Review status: criteria provided, single submitter. Criteria: Invitae Variant Classification Sherloc (09022015). Collection method: clinical testing. Allele origin: germline.
Comment: This sequence change falls in intron 18 of the LZTR1 gene. It does not directly change the encoded amino acid sequence of the LZTR1 protein. It affects a nucleotide within the consensus splice site. This variant is not present in population databases (gnomAD no frequency). This variant has not been reported in the literature in individuals affected with LZTR1-related conditions. Variants that disrupt the consensus splice site are a relatively common cause of aberrant splicing (PMID: 17576681, 9536098). Algorithms developed to predict the effect of sequence changes on RNA splicing suggest that this variant may disrupt the consensus splice site. In summary, the available evidence is currently insufficient to determine the role of this variant in disease. Therefore, it has been classified as a Variant of Uncertain Significance.

Literature cited by the submitters: PubMed 17576681 (cited by Labcorp Genetics (formerly Invitae), Labcorp); PubMed 9536098 (cited by Labcorp Genetics (formerly Invitae), Labcorp).